The following is an entry in ClinVar:

ClinVar aggregate classification (germline): Uncertain significance (1 of 4 stars; one submission).

Submission:

Labcorp Genetics (formerly Invitae), Labcorp
Classification: Uncertain significance. Last evaluated: 2022-06-28. Review status: criteria provided, single submitter. Criteria: Invitae Variant Classification Sherloc (09022015). Collection method: clinical testing. Allele origin: germline.
Comment: In summary, the available evidence is currently insufficient to determine the role of this variant in disease. Therefore, it has been classified as a Variant of Uncertain Significance. Algorithms developed to predict the effect of missense changes on protein structure and function are either unavailable or do not agree on the potential impact of this missense change (SIFT: "Deleterious"; PolyPhen-2: "Possibly Damaging"; Align-GVGD: "Class C0"). This variant has not been reported in the literature in individuals affected with DMXL2-related conditions. This variant is not present in population databases (gnomAD no frequency). This sequence change replaces leucine, which is neutral and non-polar, with phenylalanine, which is neutral and non-polar, at codon 125 of the DMXL2 protein (p.Leu125Phe).

NM_001378457.1(DMXL2):c.375G>T (p.Leu125Phe)

Gene: DMXL2 (Dmx like 2; minus strand). Cytogenetic location: 15q21.2.
Variant type: single nucleotide variant.
Coding change: c.375G>T on transcript NM_001378457.1 (MANE Select); coding-DNA position 375, G replaced by T.
Protein change: p.Leu125Phe; replaces leucine 125 with phenylalanine.
Molecular consequence: missense variant. On other transcripts: non-coding transcript variant (2).
Genome position (GRCh38, 1-based): chr15:51,564,250, C>A on the plus strand (G>T on the coding strand, the complement: DMXL2 is on the minus strand). VCF-style: chr15-51564250-C-A. GRCh37 (hg19) VCF-style: chr15-51856447-C-A.
Other names: c.375G>T, p.Leu125Phe (NM_001174116.3, NM_001174117.3, NM_001378458.1 and 7 more transcripts); short protein forms L125F.
Identifiers: ClinVar variation 2012003 (VCV002012003.4), dbSNP rs2548703056, ClinGen allele CA392756600.